The following is an entry in ClinVar:

NM_002470.4(MYH3):c.615G>A (p.Leu205=)

Gene: MYH3 (myosin heavy chain 3; minus strand). Cytogenetic location: 17p13.1.
Variant type: single nucleotide variant.
Coding change: c.615G>A on transcript NM_002470.4 (MANE Select); coding-DNA position 615, G replaced by A.
Protein change: p.Leu205=; no amino-acid change (leucine 205 retained).
Molecular consequence: synonymous variant.
Genome position (GRCh38, 1-based): chr17:10,649,604, C>T on the plus strand (G>A on the coding strand, the complement: MYH3 is on the minus strand). VCF-style: chr17-10649604-C-T. GRCh37 (hg19) VCF-style: chr17-10552921-C-T.
Other names: c.615G>A (NM_002470.3).
Identifiers: ClinVar variation 2859798 (VCV002859798.5), dbSNP rs752379531, ClinGen allele CA8393214.

ClinVar aggregate classification (germline): Likely benign. Review status: criteria provided, single submitter (1 of 4 stars). 2 submissions from 2 submitters: Likely benign (1). 1 of the submissions does not count toward it. Last evaluated 2025-04-28.

Conditions:
MYH3-related disorder. Also called: MYH3-Related Disorders; MYH3-related condition. Identifiers: MedGen CN239329.

Allele frequency attached by ClinVar (database versions not stated): gnomAD 0.00003; TOPMed 0.00004; ExAC 0.00002.
gnomAD v4.1: 43 of 1,614,092 alleles (0.0027%); highest among the groups gnomAD compares: Non-Finnish European, 0.0036%; no homozygotes.

Submissions (2):

Labcorp Genetics (formerly Invitae), Labcorp
Classification: Likely benign. Last evaluated: 2025-04-28. Review status: criteria provided, single submitter. Criteria: Invitae Variant Classification Sherloc (09022015). Collection method: clinical testing. Allele origin: germline.

PreventionGenetics, part of Exact Sciences
Classification: Likely benign for MYH3-related condition. Last evaluated: 2019-07-15. Review status: no assertion criteria provided. Collection method: clinical testing. Allele origin: germline. Not counted in ClinVar's aggregate classification.
Comment: This variant is classified as likely benign based on ACMG/AMP sequence variant interpretation guidelines (Richards et al. 2015 PMID: 25741868, with internal and published modifications).